The following is an entry in ClinVar:

NM_015409.5(EP400):c.4900C>T (p.Arg1634Ter)

Gene: EP400 (E1A binding protein p400; plus strand). Cytogenetic location: 12q24.33.
Variant type: single nucleotide variant.
Coding change: c.4900C>T on transcript NM_015409.5 (MANE Select); coding-DNA position 4900, C replaced by T.
Protein change: p.Arg1634Ter; replaces arginine 1634 with a stop codon.
Molecular consequence: nonsense.
Genome position (GRCh38, 1-based): chr12:132,025,690, C>T. VCF-style: chr12-132025690-C-T. GRCh37 (hg19) VCF-style: chr12-132510235-C-T.
Other names: c.4900C>T (NM_015409.4); short protein forms R1634*.
Identifiers: ClinVar variation 4919214 (VCV004919214.2).

ClinVar aggregate classification (germline): Uncertain significance. Review status: criteria provided, multiple submitters, no conflicts (2 of 4 stars). 2 submissions from 2 submitters: Uncertain significance (2). Last evaluated 2026-08-13.

Conditions:
EP400-related disorder. Also called: EP400-related condition.

gnomAD v4.1: 2 of 1,613,070 alleles (0.00012%); highest among the groups gnomAD compares: Non-Finnish European, 0.00017%; no homozygotes.

Submissions (2):

PreventionGenetics, part of Exact Sciences
Classification: Uncertain significance for EP400-related condition. Last evaluated: 2026-08-13. Review status: criteria provided, single submitter. Criteria: ACMG Guidelines, 2015. Collection method: clinical testing. Allele origin: germline.
Comment: The EP400 c.4900C>T variant is predicted to result in premature protein termination (p.Arg1634*). To our knowledge, this variant has not been reported in the literature or in a large population database (gnomAD), indicating this variant is rare. At this time, the clinical significance of this variant is uncertain due to the absence of conclusive functional and genetic evidence.

Blueprint Genetics
Classification: Uncertain significance. Last evaluated: 2022-07-19. Review status: criteria provided, single submitter. Criteria: ACMG Guidelines, 2015. Collection method: clinical testing. Allele origin: germline.